The following is an entry in ClinVar:

NM_001360.3(DHCR7):c.35C>T (p.Ala12Val)

Gene: DHCR7 (7-dehydrocholesterol reductase; minus strand). Cytogenetic location: 11q13.4.
Variant type: single nucleotide variant.
Coding change: c.35C>T on transcript NM_001360.3 (MANE Select); coding-DNA position 35, C replaced by T.
Protein change: p.Ala12Val; replaces alanine 12 with valine.
Molecular consequence: missense variant.
Genome position (GRCh38, 1-based): chr11:71,444,918, G>A on the plus strand (C>T on the coding strand, the complement: DHCR7 is on the minus strand). VCF-style: chr11-71444918-G-A. GRCh37 (hg19) VCF-style: chr11-71155964-G-A.
Other names: c.35C>T, p.Ala12Val (NM_001163817.2); short protein forms A12V.
Identifiers: ClinVar variation 1733069 (VCV001733069.3), dbSNP rs1279200193, ClinGen allele CA381697078.

ClinVar aggregate classification (germline): Uncertain significance. Review status: criteria provided, multiple submitters, no conflicts (2 of 4 stars). 2 submissions from 2 submitters: Uncertain significance (2). Last evaluated 2022-05-11.

Conditions:
Inborn genetic diseases. Identifiers: MedGen C0950123, MeSH D030342.

Allele frequency attached by ClinVar (database versions not stated): gnomAD exomes below 0.00001.
gnomAD v4.1: 2 of 1,614,164 alleles (0.00012%); highest among the groups gnomAD compares: Admixed American, 0.0033%; no homozygotes.

Submissions (2):

Ambry Genetics
Classification: Uncertain significance for Inborn genetic diseases. Last evaluated: 2022-05-11. Review status: criteria provided, single submitter. Criteria: Ambry Variant Classification Scheme 2023. Collection method: clinical testing. Allele origin: germline.
Comment: The p.A12V variant (also known as c.35C>T), located in coding exon 1 of the DHCR7 gene, results from a C to T substitution at nucleotide position 35. The alanine at codon 12 is replaced by valine, an amino acid with similar properties. This amino acid position is conserved. In addition, the in silico prediction for this alteration is inconclusive. Since supporting evidence is limited at this time, the clinical significance of this alteration remains unclear.

Blueprint Genetics
Classification: Uncertain significance. Last evaluated: 2018-12-21. Review status: criteria provided, single submitter. Criteria: ACMG Guidelines, 2015. Collection method: clinical testing. Allele origin: germline.